The following is an entry in ClinVar:

ClinVar aggregate classification (germline): Uncertain significance (1 of 4 stars; one submission).

Conditions:
Primary ciliary dyskinesia. Also called: Ciliary dyskinesia. Identifiers: Orphanet 244, MedGen C0008780, MONDO:0016575, HP:0012265.

Allele frequency attached by ClinVar (database versions not stated): TOPMed below 0.00001.
gnomAD v4.1: 9 of 1,614,170 alleles (0.00056%); highest among the groups gnomAD compares: African/African-American, 0.0027%; no homozygotes.

Submission:

Labcorp Genetics (formerly Invitae), Labcorp
Classification: Uncertain significance for Primary ciliary dyskinesia. Last evaluated: 2022-07-19. Review status: criteria provided, single submitter. Criteria: Invitae Variant Classification Sherloc (09022015). Collection method: clinical testing. Allele origin: germline.
Comment: Algorithms developed to predict the effect of missense changes on protein structure and function output the following: SIFT: "Tolerated"; PolyPhen-2: "Benign"; Align-GVGD: "Class C0". The histidine amino acid residue is found in multiple mammalian species, which suggests that this missense change does not adversely affect protein function. ClinVar contains an entry for this variant (Variation ID: 1419875). This variant has not been reported in the literature in individuals affected with DNAAF1-related conditions. This variant is not present in population databases (gnomAD no frequency). This sequence change replaces glutamine, which is neutral and polar, with histidine, which is basic and polar, at codon 64 of the DNAAF1 protein (p.Gln64His). In summary, the available evidence is currently insufficient to determine the role of this variant in disease. Therefore, it has been classified as a Variant of Uncertain Significance.

NM_178452.6(DNAAF1):c.192G>T (p.Gln64His)

Gene: DNAAF1 (dynein axonemal assembly factor 1; plus strand). Cytogenetic location: 16q24.1.
Variant type: single nucleotide variant.
Coding change: c.192G>T on transcript NM_178452.6 (MANE Select); coding-DNA position 192, G replaced by T.
Protein change: p.Gln64His; replaces glutamine 64 with histidine.
Molecular consequence: missense variant.
Genome position (GRCh38, 1-based): chr16:84,149,074, G>T. VCF-style: chr16-84149074-G-T. GRCh37 (hg19) VCF-style: chr16-84182679-G-T.
Other names: short protein forms Q64H.
Identifiers: ClinVar variation 1419875 (VCV001419875.8), dbSNP rs111414382, ClinGen allele CA285497198.